The following is an entry in ClinVar:

ClinVar aggregate classification (germline): Pathogenic. Review status: criteria provided, single submitter (1 of 4 stars). 2 submissions from 2 submitters: Pathogenic (1). 1 of the submissions does not count toward it. Last evaluated 2024-06-07.

Conditions:
Polycystic kidney disease, adult type (PKD1). Also called: Polycystic Kidney Disease 1, Autosomal Dominant; Polycystic kidney disease 1; Polycystic kidney disease 1, severe; POLYCYSTIC KIDNEY DISEASE, ADULT, TYPE I; POLYCYSTIC KIDNEY DISEASE 1 WITH OR WITHOUT POLYCYSTIC LIVER DISEASE; Polycystic Kidney, Autosomal Dominant. Identifiers: MedGen C3149841, MONDO:0008263, OMIM 173900.

Submissions (2):

3billion
Classification: Pathogenic for Polycystic kidney disease, adult type. Last evaluated: 2024-06-07. Review status: criteria provided, single submitter. Criteria: ACMG Guidelines, 2015. Collection method: clinical testing. Allele origin: germline. Affected: yes.
Comment: The variant is not observed in the gnomAD v4.0.0 dataset. Predicted Consequence/Location: Stop-gained (nonsense): predicted to result in a loss or disruption of normal protein function through nonsense-mediated decay (NMD) or protein truncation. Multiple pathogenic variants are reported downstream of the variant. The variant has been reported to be associated with PKD1-related disorder (ClinVar ID: VCV000992387 /PMID: 11967008). Therefore, this variant is classified as Pathogenic according to the recommendation of ACMG/AMP guideline.

Bioscientia Institut fuer Medizinische Diagnostik GmbH, Sonic Healthcare
Classification: Pathogenic for Polycystic kidney disease, adult type. Last evaluated: 2020-01-07. Review status: no assertion criteria provided. Collection method: clinical testing. Allele origin: germline. Affected: yes. Not counted in ClinVar's aggregate classification.

Literature cited by the submitters: PubMed 11967008 (cited by 3billion).

NM_001009944.3(PKD1):c.8320del (p.Pro2773_Leu2774insTer)

Gene: PKD1 (polycystin 1, transient receptor potential channel interacting; minus strand). Cytogenetic location: 16p13.3.
Variant type: Deletion.
Coding change: c.8320del on transcript NM_001009944.3 (MANE Select); coding-DNA position 8320, one base deleted (C; older notation c.8320delC).
Protein change: p.Pro2773_Leu2774insTer.
Molecular consequence: nonsense.
Genome position (GRCh38, 1-based): chr16:2,103,737, G deleted on the plus strand (C on the coding strand, the reverse complement: PKD1 is on the minus strand); the first of 4 consecutive G bases (chr16:2,103,737-2,103,740); deleting any one gives the same sequence. VCF-style (leftmost placement, unchanged base first): chr16-2103736-AG-A. GRCh37 (hg19) VCF-style: chr16-2153737-AG-A.
Other names: c.8320del, p.Pro2773_Leu2774insTer (NM_000296.4).
Identifiers: ClinVar variation 992387 (VCV000992387.3), dbSNP rs2092202749, ClinGen allele CA1139664376.